The following is an entry in ClinVar:

ClinVar aggregate classification (germline): Uncertain significance (1 of 4 stars; one submission).

Conditions:
Pancreatic adenocarcinoma. Identifiers: MedGen C0281361, MONDO:0006047, HP:0006725.

Allele frequency attached by ClinVar (database versions not stated): TOPMed 0.00001; gnomAD exomes 0.00002.
gnomAD v4.1: 25 of 1,507,630 alleles (0.0017%); highest among the groups gnomAD compares: Non-Finnish European, 0.0021%; no homozygotes.

Submission:

Labcorp Genetics (formerly Invitae), Labcorp
Classification: Uncertain significance for Pancreatic adenocarcinoma. Last evaluated: 2024-04-23. Review status: criteria provided, single submitter. Criteria: Invitae Variant Classification Sherloc (09022015). Collection method: clinical testing. Allele origin: germline.
Comment: This sequence change replaces lysine, which is basic and polar, with arginine, which is basic and polar, at codon 163 of the PALLD protein (p.Lys163Arg). The frequency data for this variant in the population databases is considered unreliable, as metrics indicate poor data quality at this position in the gnomAD database. This variant has not been reported in the literature in individuals affected with PALLD-related conditions. ClinVar contains an entry for this variant (Variation ID: 1045018). An algorithm developed to predict the effect of missense changes on protein structure and function (PolyPhen-2) suggests that this variant is likely to be tolerated. In summary, the available evidence is currently insufficient to determine the role of this variant in disease. Therefore, it has been classified as a Variant of Uncertain Significance.

NM_001166108.2(PALLD):c.1965-12543A>G

Gene: PALLD (palladin, cytoskeletal associated protein; plus strand). Cytogenetic location: 4q32.3.
Variant type: single nucleotide variant.
Coding change: c.1965-12543A>G on transcript NM_001166108.2 (MANE Select); 12543 bases into the intron before coding-DNA position 1965, A replaced by G.
Molecular consequence: intron variant. On other transcripts: missense variant (1).
Genome position (GRCh38, 1-based): chr4:168,878,379, A>G. VCF-style: chr4-168878379-A-G. GRCh37 (hg19) VCF-style: chr4-169799530-A-G.
Other names: c.488A>G, p.Lys163Arg (NM_001166110.2); c.1965-12543A>G (NM_016081.4); c.819-12543A>G (NM_001166109.2); c.-157-12543A>G (NM_001367570.1, NM_001367568.1, NM_001367567.1 and 1 more transcripts); short protein forms K163R.
Identifiers: ClinVar variation 1045018 (VCV001045018.8), dbSNP rs969187093, ClinGen allele CA110515955.